The following is an entry in ClinVar:

ClinVar aggregate classification (germline): Uncertain significance. Review status: criteria provided, multiple submitters, no conflicts (2 of 4 stars). 2 submissions from 2 submitters: Uncertain significance (2). Last evaluated 2026-07-06.

Conditions:
Juvenile polyposis syndrome (JPS). Identifiers: Orphanet 2929, MedGen C0345893, MONDO:0017380, OMIM 174900.
Hereditary cancer-predisposing syndrome. Also called: Hereditary Cancer Syndrome; Neoplastic Syndromes, Hereditary; Hereditary neoplastic syndrome; Tumor predisposition. Identifiers: Orphanet 140162, MedGen C0027672, MeSH D009386, MONDO:0015356.

Submissions (2):

Ambry Genetics
Classification: Uncertain significance for Hereditary cancer-predisposing syndrome. Last evaluated: 2026-07-06. Review status: criteria provided, single submitter. Criteria: Ambry Variant Classification Scheme 2023. Collection method: clinical testing. Allele origin: germline.
Comment: The p.I292L variant (also known as c.874A>T), located in coding exon 8 of the BMPR1A gene, results from an A to T substitution at nucleotide position 874. The isoleucine at codon 292 is replaced by leucine, an amino acid with highly similar properties. This amino acid position is conserved. In addition, this alteration is predicted to be deleterious by in silico analysis. Based on the available evidence, the clinical significance of this variant remains unclear.

Labcorp Genetics (formerly Invitae), Labcorp
Classification: Uncertain significance for Juvenile polyposis syndrome. Last evaluated: 2021-11-12. Review status: criteria provided, single submitter. Criteria: Invitae Variant Classification Sherloc (09022015). Collection method: clinical testing. Allele origin: germline.
Comment: In summary, the available evidence is currently insufficient to determine the role of this variant in disease. Therefore, it has been classified as a Variant of Uncertain Significance. Advanced modeling of protein sequence and biophysical properties (such as structural, functional, and spatial information, amino acid conservation, physicochemical variation, residue mobility, and thermodynamic stability) performed at Invitae indicates that this missense variant is not expected to disrupt BMPR1A protein function. This variant has not been reported in the literature in individuals affected with BMPR1A-related conditions. This variant is not present in population databases (gnomAD no frequency). This sequence change replaces isoleucine, which is neutral and non-polar, with leucine, which is neutral and non-polar, at codon 292 of the BMPR1A protein (p.Ile292Leu).

NM_004329.3(BMPR1A):c.874A>T (p.Ile292Leu)

Gene: BMPR1A (bone morphogenetic protein receptor type 1A; plus strand). Cytogenetic location: 10q23.2.
Variant type: single nucleotide variant.
Coding change: c.874A>T on transcript NM_004329.3 (MANE Select); coding-DNA position 874, A replaced by T.
Protein change: p.Ile292Leu; replaces isoleucine 292 with leucine.
Molecular consequence: missense variant.
Genome position (GRCh38, 1-based): chr10:86,919,177, A>T. VCF-style: chr10-86919177-A-T. GRCh37 (hg19) VCF-style: chr10-88678934-A-T.
Other names: c.874A>T (NM_004329.2); short protein forms I292L.
Identifiers: ClinVar variation 1392811 (VCV001392811.7), dbSNP rs746800007, ClinGen allele CA377459773.
Genomic context (GRCh38, chr10:86,919,177, plus strand): 5'-TCTCCCTAGCCTATCTCTGATGATAACTAACCTTTTAAACTCATCAACTGGACAGGTTTC[A>T]TAGCGGCAGACATTAAAGGTACAGGTTCCTGGACTCAGCTCTATTTGATTACTGATTACC-3'
Protein context (NP_004320.2, residues 282-302): LMRHENILGF[Ile292Leu]AADIKGTGSW